The following is an entry in ClinVar:

ClinVar aggregate classification (germline): Benign. Review status: criteria provided, single submitter (1 of 4 stars). 2 submissions from 2 submitters: Benign (1). 1 of the submissions does not count toward it. Last evaluated 2024-08-01.

Conditions:
CASP9-related disorder. Also called: CASP9-related condition.

Allele frequency attached by ClinVar (database versions not stated): 1000 Genomes Project 0.00459; 1000 Genomes Project 30x 0.00500; ESP Exome Variant Server 0.00992; ExAC 0.01051.
gnomAD v4.1: 19,674 of 1,614,178 alleles (1.2%); highest among the groups gnomAD compares: Non-Finnish European, 1.4%; 174 homozygotes.

Submissions (2):

CeGaT Center for Human Genetics Tuebingen
Classification: Benign. Last evaluated: 2024-08-01. Review status: criteria provided, single submitter. Criteria: CeGaT Center For Human Genetics Tuebingen Variant Classification Criteria Version 2. Collection method: clinical testing. Allele origin: germline. Affected: yes. Observed: 1 variant allele.
Comment: CASP9: BP4, BS1, BS2

PreventionGenetics, part of Exact Sciences
Classification: Benign for CASP9-related condition. Last evaluated: 2019-03-05. Review status: no assertion criteria provided. Collection method: clinical testing. Allele origin: germline. Not counted in ClinVar's aggregate classification.
Comment: This variant is classified as benign based on ACMG/AMP sequence variant interpretation guidelines (Richards et al. 2015 PMID: 25741868, with internal and published modifications).

NM_001229.5(CASP9):c.518G>A (p.Arg173His)

Gene: CASP9 (caspase 9; minus strand). Cytogenetic location: 1p36.21.
Variant type: single nucleotide variant.
Coding change: c.518G>A on transcript NM_001229.5 (MANE Select); coding-DNA position 518, G replaced by A.
Protein change: p.Arg173His; replaces arginine 173 with histidine.
Molecular consequence: missense variant. On other transcripts: non-coding transcript variant (2), intron variant (1).
Genome position (GRCh38, 1-based): chr1:15,507,011, C>T on the plus strand (G>A on the coding strand, the complement: CASP9 is on the minus strand). VCF-style: chr1-15507011-C-T. GRCh37 (hg19) VCF-style: chr1-15833506-C-T.
Other names: c.418+11099G>A (NM_001278054.2); c.269G>A, p.Arg90His (NM_032996.3); short protein forms R173H, R90H.
Identifiers: ClinVar variation 3041435 (VCV003041435.17), dbSNP rs2308950, ClinGen allele CA614566.